The following is an entry in ClinVar:

NM_206933.4(USH2A):c.15563G>C (p.Ser5188Thr)

Gene: USH2A (usherin; minus strand). Cytogenetic location: 1q41.
Variant type: single nucleotide variant.
Coding change: c.15563G>C on transcript NM_206933.4 (MANE Select); coding-DNA position 15563, G replaced by C.
Protein change: p.Ser5188Thr; replaces serine 5188 with threonine.
Molecular consequence: missense variant.
Genome position (GRCh38, 1-based): chr1:215,625,827, C>G on the plus strand (G>C on the coding strand, the complement: USH2A is on the minus strand). VCF-style: chr1-215625827-C-G. GRCh37 (hg19) VCF-style: chr1-215799169-C-G.
Other names: c.15563G>C (NM_206933.2); short protein forms S5188T.
Identifiers: ClinVar variation 1045970 (VCV001045970.5), dbSNP rs779531682, ClinGen allele CA1392621.

ClinVar aggregate classification (germline): Uncertain significance. Review status: criteria provided, multiple submitters, no conflicts (2 of 4 stars). 3 submissions from 3 submitters: Uncertain significance (2). 1 of the submissions does not count toward it. Last evaluated 2025-09-04.

Conditions:
Usher syndrome type 2A. Also called: USHER SYNDROME, TYPE IIA; RETINAL DISEASE IN USHER SYNDROME TYPE IIA, MODIFIER OF. Identifiers: Orphanet 231178, Orphanet 886, MedGen C1848634, MONDO:0010169, OMIM 276901.
Inborn genetic diseases. Identifiers: MedGen C0950123, MeSH D030342.

Allele frequency attached by ClinVar (database versions not stated): ExAC 0.00001.
gnomAD v4.1: 5 of 1,614,078 alleles (0.00031%); highest among the groups gnomAD compares: Admixed American, 0.0083%; no homozygotes.

Submissions (3):

Ambry Genetics
Classification: Uncertain significance for Inborn genetic diseases. Last evaluated: 2025-09-04. Review status: criteria provided, single submitter. Criteria: Ambry Variant Classification Scheme 2023. Collection method: clinical testing. Allele origin: germline.

Labcorp Genetics (formerly Invitae), Labcorp
Classification: Uncertain significance. Last evaluated: 2024-12-09. Review status: criteria provided, single submitter. Criteria: Invitae Variant Classification Sherloc (09022015). Collection method: clinical testing. Allele origin: germline.
Comment: This sequence change replaces serine, which is neutral and polar, with threonine, which is neutral and polar, at codon 5188 of the USH2A protein (p.Ser5188Thr). This variant is present in population databases (rs779531682, gnomAD 0.01%). This variant has not been reported in the literature in individuals affected with USH2A-related conditions. ClinVar contains an entry for this variant (Variation ID: 1045970). Invitae Evidence Modeling of protein sequence and biophysical properties (such as structural, functional, and spatial information, amino acid conservation, physicochemical variation, residue mobility, and thermodynamic stability) has been performed for this missense variant. However, the output from this modeling did not meet the statistical confidence thresholds required to predict the impact of this variant on USH2A protein function. In summary, the available evidence is currently insufficient to determine the role of this variant in disease. Therefore, it has been classified as a Variant of Uncertain Significance.

Natera, Inc.
Classification: Uncertain significance for Usher syndrome type 2A. Last evaluated: 2020-01-17. Review status: no assertion criteria provided. Collection method: clinical testing. Allele origin: germline. Not counted in ClinVar's aggregate classification.